The following is an entry in ClinVar:

NM_006904.7(PRKDC):c.2530G>A (p.Glu844Lys)

Gene: PRKDC (protein kinase, DNA-activated, catalytic subunit; minus strand). Cytogenetic location: 8q11.21.
Variant type: single nucleotide variant.
Coding change: c.2530G>A on transcript NM_006904.7 (MANE Select); coding-DNA position 2530, G replaced by A.
Protein change: p.Glu844Lys; replaces glutamic acid 844 with lysine.
Molecular consequence: missense variant.
Genome position (GRCh38, 1-based): chr8:47,915,415, C>T on the plus strand (G>A on the coding strand, the complement: PRKDC is on the minus strand). VCF-style: chr8-47915415-C-T. GRCh37 (hg19) VCF-style: chr8-48827975-C-T.
Other names: c.2530G>A, p.Glu844Lys (NM_001081640.2); short protein forms E844K.
Identifiers: ClinVar variation 1479069 (VCV001479069.8), dbSNP rs1279623453, ClinGen allele CA371160083.

ClinVar aggregate classification (germline): Uncertain significance. Review status: criteria provided, multiple submitters, no conflicts (2 of 4 stars). 2 submissions from 2 submitters: Uncertain significance (2). Last evaluated 2021-07-13.

Conditions:
Severe combined immunodeficiency due to DNA-PKcs deficiency. Also called: IMMUNODEFICIENCY 26 WITH NEUROLOGIC ABNORMALITIES; Immunodeficiency 26 with or without neurologic abnormalities. Identifiers: Orphanet 317425, MedGen C4014833, MONDO:0014423, OMIM 615966.

Allele frequency attached by ClinVar (database versions not stated): gnomAD exomes below 0.00001.
gnomAD v4.1: 4 of 1,516,534 alleles (0.00026%); highest among the groups gnomAD compares: Non-Finnish European, 0.00036%; no homozygotes.

Submissions (2):

Ambry Genetics
Classification: Uncertain significance. Last evaluated: 2021-07-13. Review status: criteria provided, single submitter. Criteria: Ambry Variant Classification Scheme 2023. Collection method: clinical testing. Allele origin: germline.
Comment: The p.E844K variant (also known as c.2530G>A), located in coding exon 23 of the PRKDC gene, results from a G to A substitution at nucleotide position 2530. The glutamic acid at codon 844 is replaced by lysine, an amino acid with similar properties. This amino acid position is conserved. In addition, this alteration is predicted to be tolerated by in silico analysis. Since supporting evidence is limited at this time, the clinical significance of this alteration remains unclear.

Labcorp Genetics (formerly Invitae), Labcorp
Classification: Uncertain significance for Severe combined immunodeficiency due to DNA-PKcs deficiency. Last evaluated: 2020-12-26. Review status: criteria provided, single submitter. Criteria: Invitae Variant Classification Sherloc (09022015). Collection method: clinical testing. Allele origin: germline.
Comment: This variant is not present in population databases (ExAC no frequency). This sequence change replaces glutamic acid with lysine at codon 844 of the PRKDC protein (p.Glu844Lys). The glutamic acid residue is moderately conserved and there is a small physicochemical difference between glutamic acid and lysine. This variant has not been reported in the literature in individuals with PRKDC-related conditions. Experimental studies and prediction algorithms are not available or were not evaluated, and the functional significance of this variant is currently unknown. In summary, the available evidence is currently insufficient to determine the role of this variant in disease. Therefore, it has been classified as a Variant of Uncertain Significance.